The following is an entry in ClinVar:

NM_000395.3(CSF2RB):c.2171G>C (p.Gly724Ala)

Gene: CSF2RB (colony stimulating factor 2 receptor subunit beta; plus strand). Cytogenetic location: 22q12.3.
Variant type: single nucleotide variant.
Coding change: c.2171G>C on transcript NM_000395.3 (MANE Select); coding-DNA position 2171, G replaced by C.
Protein change: p.Gly724Ala; replaces glycine 724 with alanine.
Molecular consequence: missense variant.
Genome position (GRCh38, 1-based): chr22:36,937,979, G>C. VCF-style: chr22-36937979-G-C. GRCh37 (hg19) VCF-style: chr22-37334021-G-C.
Other names: c.2189G>C, p.Gly730Ala (NM_001410827.1); short protein forms G724A, G730A.
Identifiers: ClinVar variation 2806236 (VCV002806236.3), dbSNP rs369609939, ClinGen allele CA324004982.

ClinVar aggregate classification (germline): Uncertain significance (1 of 4 stars; one submission).

Allele frequency attached by ClinVar (database versions not stated): TOPMed 0.00001; ESP Exome Variant Server 0.00008.
gnomAD v4.1: 4 of 1,614,088 alleles (0.00025%); highest among the groups gnomAD compares: Non-Finnish European, 0.00034%; no homozygotes.

Submission:

Labcorp Genetics (formerly Invitae), Labcorp
Classification: Uncertain significance. Last evaluated: 2022-10-27. Review status: criteria provided, single submitter. Criteria: Invitae Variant Classification Sherloc (09022015). Collection method: clinical testing. Allele origin: germline.
Comment: Advanced modeling of protein sequence and biophysical properties (such as structural, functional, and spatial information, amino acid conservation, physicochemical variation, residue mobility, and thermodynamic stability) performed at Invitae indicates that this missense variant is not expected to disrupt CSF2RB protein function. This variant has not been reported in the literature in individuals affected with CSF2RB-related conditions. This variant is not present in population databases (gnomAD no frequency). This sequence change replaces glycine, which is neutral and non-polar, with alanine, which is neutral and non-polar, at codon 724 of the CSF2RB protein (p.Gly724Ala). In summary, the available evidence is currently insufficient to determine the role of this variant in disease. Therefore, it has been classified as a Variant of Uncertain Significance.